The following is an entry in ClinVar:

ClinVar aggregate classification (germline): Uncertain significance. Review status: criteria provided, multiple submitters, no conflicts (2 of 4 stars). 3 submissions from 3 submitters: Uncertain significance (3). Last evaluated 2026-03-24.

Conditions:
TNC-related disorder. Also called: TNC-related condition.

gnomAD v4.1: 13 of 1,614,086 alleles (0.00081%); highest among the groups gnomAD compares: Admixed American, 0.022%; 1 homozygote.

Submissions (3):

PreventionGenetics, part of Exact Sciences
Classification: Uncertain significance for TNC-related condition. Last evaluated: 2026-03-24. Review status: criteria provided, single submitter. Criteria: ACMG Guidelines, 2015. Collection method: clinical testing. Allele origin: germline.
Comment: The TNC c.1521C>A variant is predicted to result in the amino acid substitution p.Asn507Lys. To our knowledge, this variant has not been reported in the literature. This variant is reported in 0.040% of alleles in individuals of Latino descent in gnomAD. Although we suspect that this variant may be benign, at this time, the clinical significance of this variant is uncertain due to the absence of conclusive functional and genetic evidence.

Ambry Genetics
Classification: Uncertain significance. Last evaluated: 2025-02-03. Review status: criteria provided, single submitter. Criteria: Ambry Variant Classification Scheme 2023. Collection method: clinical testing. Allele origin: germline.

Women's Health and Genetics/Laboratory Corporation of America, LabCorp
Classification: Uncertain significance. Last evaluated: 2024-05-28. Review status: criteria provided, single submitter. Criteria: LabCorp Variant Classification Summary - May 2015. Collection method: clinical testing. Allele origin: germline.
Comment: Variant summary: TNC c.1521C>A (p.Asn507Lys) results in a non-conservative amino acid change located in the EGF-like domain (IPR000742) of the encoded protein sequence. Four of five in-silico tools predict a benign effect of the variant on protein function. The variant allele was found at a frequency of 5.6e-05 in 251022 control chromosomes in the gnomAD database, including 1 homozygote. The available data on variant occurrences in the general population are insufficient to allow any conclusion about variant significance. To our knowledge, no occurrence of c.1521C>A in individuals affected with Deafness, Autosomal Dominant 56 and no experimental evidence demonstrating its impact on protein function have been reported. No submitters have cited clinical-significance assessments for this variant to ClinVar. Based on the evidence outlined above, the variant was classified as uncertain significance.

NM_002160.4(TNC):c.1521C>A (p.Asn507Lys)

Gene: TNC (tenascin C; minus strand). Cytogenetic location: 9q33.1.
Variant type: single nucleotide variant.
Coding change: c.1521C>A on transcript NM_002160.4 (MANE Select); coding-DNA position 1521, C replaced by A.
Protein change: p.Asn507Lys; replaces asparagine 507 with lysine.
Molecular consequence: missense variant.
Genome position (GRCh38, 1-based): chr9:115,086,210, G>T on the plus strand (C>A on the coding strand, the complement: TNC is on the minus strand). VCF-style: chr9-115086210-G-T. GRCh37 (hg19) VCF-style: chr9-117848489-G-T.
Other names: c.1521C>A (NM_002160.3); c.1521C>A, p.Asn507Lys (NM_001410991.1); short protein forms N507K.
Identifiers: ClinVar variation 3336355 (VCV003336355.3).